The following is an entry in ClinVar:

NM_001367624.2(ZNF469):c.6537T>C (p.Asp2179=)

Gene: ZNF469 (zinc finger protein 469; plus strand). Cytogenetic location: 16q24.2.
Variant type: single nucleotide variant.
Coding change: c.6537T>C on transcript NM_001367624.2 (MANE Select); coding-DNA position 6537, T replaced by C.
Protein change: p.Asp2179=; no amino-acid change (aspartic acid 2179 retained).
Molecular consequence: synonymous variant.
Genome position (GRCh38, 1-based): chr16:88,434,007, T>C. VCF-style: chr16-88434007-T-C. GRCh37 (hg19) VCF-style: chr16-88500415-T-C.
Other names: NM_001127464.1:c.6453T>C.
Identifiers: ClinVar variation 508287 (VCV000508287.12), dbSNP rs961670323, ClinGen allele CA286381681.

ClinVar aggregate classification (germline): Likely benign. Review status: criteria provided, multiple submitters, no conflicts (2 of 4 stars). 4 submissions from 4 submitters: Likely benign (4). Last evaluated 2025-12-20.

Conditions:
Cardiovascular phenotype. Identifiers: MedGen CN230736.

Allele frequency attached by ClinVar (database versions not stated): gnomAD exomes 0.00001 and 0.00006; gnomAD 0.00003; TOPMed 0.00003.
gnomAD v4.1: 81 of 1,550,122 alleles (0.0052%); highest among the groups gnomAD compares: Non-Finnish European, 0.0069%; no homozygotes.

Submissions (4):

Labcorp Genetics (formerly Invitae), Labcorp
Classification: Likely benign. Last evaluated: 2025-12-20. Review status: criteria provided, single submitter. Criteria: Invitae Variant Classification Sherloc (09022015). Collection method: clinical testing. Allele origin: germline.

Women's Health and Genetics/Laboratory Corporation of America, LabCorp
Classification: Likely benign. Last evaluated: 2025-05-27. Review status: criteria provided, single submitter. Criteria: LabCorp Variant Classification Summary - May 2015. Collection method: clinical testing. Allele origin: germline.

Ambry Genetics
Classification: Likely benign for Cardiovascular phenotype. Last evaluated: 2022-02-20. Review status: criteria provided, single submitter. Criteria: Ambry Variant Classification Scheme 2023. Collection method: clinical testing. Allele origin: germline.

GeneDx
Classification: Likely benign. Last evaluated: 2018-08-09. Review status: criteria provided, single submitter. Criteria: GeneDx Variant Classification Process June 2021. Collection method: clinical testing. Allele origin: germline. Affected: yes.
Comment: This variant is associated with the following publications: (PMID: 24895405)